The following is an entry in ClinVar:

ClinVar aggregate classification (germline): Uncertain significance (1 of 4 stars; one submission).

Conditions:
Mucopolysaccharidosis, MPS-IV-A (MPS4A). Also called: Mucopolysaccharidosis type IV A; Mucopolysaccharidosis Type IVA; Morquio syndrome A, mild; MORQUIO SYNDROME A; MPS IVA; mucopolysaccharidosis type 4A. Identifiers: Orphanet 309297, Orphanet 582, MedGen C0086651, MONDO:0009659, OMIM 253000.

Submission:

Laboratory of Diagnosis and Therapy of Lysosomal Disorders, University of Padova
Classification: Uncertain significance for Mucopolysaccharidosis, MPS-IV-A. Last evaluated: 2021-02-01. Review status: criteria provided, single submitter. Criteria: ACMG Guidelines, 2015. Collection method: curation. Allele origin: germline. Affected: yes.
Comment: In vivo functional studies supportive of a damaging effect on the gene product (low to null enzymatic activity in homozygotes; PS3_supporting); absent from gnomAD v2.1.1 (PM2_moderate); multiple lines of computational evidence support a deleterious effect on the gene (PP3_supporting)

Literature cited by the submitters: PubMed 23876334; PubMed 25252036; PubMed 34387910.

NM_000512.5(GALNS):c.257T>C (p.Leu86Pro)

Gene: GALNS (galactosamine (N-acetyl)-6-sulfatase; minus strand). Cytogenetic location: 16q24.3.
Variant type: single nucleotide variant.
Coding change: c.257T>C on transcript NM_000512.5 (MANE Select); coding-DNA position 257, T replaced by C.
Protein change: p.Leu86Pro; replaces leucine 86 with proline.
Molecular consequence: missense variant. On other transcripts: 5 prime UTR variant (1).
Genome position (GRCh38, 1-based): chr16:88,841,959, A>G on the plus strand (T>C on the coding strand, the complement: GALNS is on the minus strand). VCF-style: chr16-88841959-A-G. GRCh37 (hg19) VCF-style: chr16-88908367-A-G.
Other names: c.-299T>C (NM_001323543.2); c.275T>C, p.Leu92Pro (NM_001323544.2); short protein forms L86P, L92P.
Identifiers: ClinVar variation 1048445 (VCV001048445.3), dbSNP rs2143005116, ClinGen allele CA397089369.